The following is an entry in ClinVar:

NM_001267550.2(TTN):c.41140A>G (p.Thr13714Ala)

Gene: TTN (titin; minus strand). Cytogenetic location: 2q31.2.
Variant type: single nucleotide variant.
Coding change: c.41140A>G on transcript NM_001267550.2 (MANE Select); coding-DNA position 41140, A replaced by G.
Protein change: p.Thr13714Ala; replaces threonine 13714 with alanine.
Molecular consequence: missense variant.
Genome position (GRCh38, 1-based): chr2:178,636,587, T>C on the plus strand (A>G on the coding strand, the complement: TTN is on the minus strand). VCF-style: chr2-178636587-T-C. GRCh37 (hg19) VCF-style: chr2-179501314-T-C.
Other names: c.33436A>G, p.Thr11146Ala (NM_133378.4); c.36217A>G, p.Thr12073Ala (NM_001256850.1); c.13945A>G, p.Thr4649Ala (NM_003319.4); c.14320A>G, p.Thr4774Ala (NM_133432.3); c.14521A>G, p.Thr4841Ala (NM_133437.4); short protein forms T11146A, T13714A, T12073A, T4649A, T4774A, T4841A.
Identifiers: ClinVar variation 229430 (VCV000229430.5), dbSNP rs876658057, ClinGen allele CA10576535.

ClinVar aggregate classification (germline): Uncertain significance (1 of 4 stars; one submission).

Submission:

Laboratory for Molecular Medicine, Mass General Brigham Personalized Medicine
Classification: Uncertain significance. Last evaluated: 2016-03-01. Review status: criteria provided, single submitter. Criteria: LMM Criteria. Collection method: clinical testing. Allele origin: germline. Observed: 1 variant allele.
Comment: The p.Thr11146Ala variant in TTN has not been previously reported in individuals with cardiomyopathy or in large population studies. Computational prediction t ools and conservation analysis do not provide strong support for or against an i mpact to the protein. In summary, the clinical significance of the p.Thr11146Ala variant is uncertain.